The following is an entry in ClinVar:

NM_000548.5(TSC2):c.3618C>A (p.Thr1206=)

Gene: TSC2 (TSC complex subunit 2; plus strand). Cytogenetic location: 16p13.3.
Variant type: single nucleotide variant.
Coding change: c.3618C>A on transcript NM_000548.5 (MANE Select); coding-DNA position 3618, C replaced by A.
Protein change: p.Thr1206=; no amino-acid change (threonine 1206 retained).
Molecular consequence: synonymous variant.
Genome position (GRCh38, 1-based): chr16:2,081,602, C>A. VCF-style: chr16-2081602-C-A. GRCh37 (hg19) VCF-style: chr16-2131603-C-A.
Other names: c.3486C>A, p.Thr1162= (NM_001077183.3, NM_001370404.1); c.3618C>A, p.Thr1206= (NM_001114382.3); c.3378C>A, p.Thr1126= (NM_001318827.2); c.3342C>A, p.Thr1114= (NM_001318829.2); c.2886C>A, p.Thr962= (NM_001318831.2); c.3519C>A, p.Thr1173= (NM_001318832.2); c.3489C>A, p.Thr1163= (NM_001363528.2, NM_001370405.1, NM_021055.3); c.3618C>A (NM_000548.3).
Identifiers: ClinVar variation 1115814 (VCV001115814.11), dbSNP rs1057522260, ClinGen allele CA493042969.

ClinVar aggregate classification (germline): Benign/Likely benign. Review status: criteria provided, multiple submitters, no conflicts (2 of 4 stars). 3 submissions from 3 submitters: Benign (1); Likely benign (2). Last evaluated 2026-02-17.

Conditions:
Tuberous sclerosis 2 (TSC2). Identifiers: Orphanet 805, MedGen C1860707, MONDO:0013199, OMIM 613254.
Hereditary cancer-predisposing syndrome. Also called: Hereditary Cancer Syndrome; Neoplastic Syndromes, Hereditary; Tumor predisposition; Hereditary neoplastic syndrome. Identifiers: Orphanet 140162, MedGen C0027672, MeSH D009386, MONDO:0015356.

Submissions (3):

Ambry Genetics
Classification: Likely benign for Hereditary cancer-predisposing syndrome. Last evaluated: 2026-02-17. Review status: criteria provided, single submitter. Criteria: Ambry Variant Classification Scheme 2023. Collection method: clinical testing. Allele origin: germline.

Myriad Genetics, Inc.
Classification: Benign for Tuberous sclerosis 2. Last evaluated: 2025-05-30. Review status: criteria provided, single submitter. Criteria: Myriad Autosomal Dominant, Autosomal Recessive and X-Linked Classification Criteria (2023). Collection method: clinical testing. Allele origin: unknown.
Comment: This variant is considered benign. This variant is a silent/synonymous amino acid change and it is not expected to impact splicing.

Labcorp Genetics (formerly Invitae), Labcorp
Classification: Likely benign for Tuberous sclerosis 2. Last evaluated: 2021-11-23. Review status: criteria provided, single submitter. Criteria: Invitae Variant Classification Sherloc (09022015). Collection method: clinical testing. Allele origin: germline.